The following is an entry in ClinVar:

NM_000321.3(RB1):c.2257A>T (p.Ile753Leu)

Gene: RB1 (RB transcriptional corepressor 1; plus strand). Cytogenetic location: 13q14.2.
Variant type: single nucleotide variant.
Coding change: c.2257A>T on transcript NM_000321.3 (MANE Select); coding-DNA position 2257, A replaced by T.
Protein change: p.Ile753Leu; replaces isoleucine 753 with leucine.
Molecular consequence: missense variant.
Genome position (GRCh38, 1-based): chr13:48,465,043, A>T. VCF-style: chr13-48465043-A-T. GRCh37 (hg19) VCF-style: chr13-49039179-A-T.
Other names: c.2257A>T, p.Ile753Leu (NM_001407165.1); short protein forms I753L.
Identifiers: ClinVar variation 2585744 (VCV002585744.2), dbSNP rs2138344729, ClinGen allele CA388167582.
Genomic context (GRCh38, chr13:48,465,043, plus strand): 5'-ACTGTTCTTCCTCAGACATTCAAACGTGTTTTGATCAAAGAAGAGGAGTATGATTCTATT[A>T]TAGTATTCTATAACTCGGTCTTCATGCAGAGACTGAAAACAAATATTTTGCAGTATGCTT-3'
Protein context (NP_000312.2, residues 743-763): LIKEEEYDSI[Ile753Leu]VFYNSVFMQR

ClinVar aggregate classification (germline): Uncertain significance (1 of 4 stars; one submission).

Conditions:
Hereditary cancer-predisposing syndrome. Also called: Hereditary neoplastic syndrome; Tumor predisposition; Hereditary Cancer Syndrome; Neoplastic Syndromes, Hereditary. Identifiers: Orphanet 140162, MedGen C0027672, MeSH D009386, MONDO:0015356.

Submission:

Ambry Genetics
Classification: Uncertain significance for Hereditary cancer-predisposing syndrome. Last evaluated: 2023-09-04. Review status: criteria provided, single submitter. Criteria: Ambry Variant Classification Scheme 2023. Collection method: clinical testing. Allele origin: germline.
Comment: The p.I753L variant (also known as c.2257A>T), located in coding exon 22 of the RB1 gene, results from an A to T substitution at nucleotide position 2257. The isoleucine at codon 753 is replaced by leucine, an amino acid with highly similar properties. This amino acid position is conserved. In addition, this alteration is predicted to be deleterious by in silico analysis. Since supporting evidence is limited at this time, the clinical significance of this alteration remains unclear.